The following is an entry in ClinVar:

ClinVar aggregate classification (germline): Pathogenic/Likely pathogenic. Review status: criteria provided, multiple submitters, no conflicts (2 of 4 stars). 2 submissions from 2 submitters: Pathogenic (1); Likely pathogenic (1). Last evaluated 2024-01-30.

Conditions:
Autoinflammatory disease, familial, Behcet-like-3. Also called: Mucocutaneous ulceration, chronic. Identifiers: Orphanet 596759, MedGen C4748997, MONDO:0032659, OMIM 618287.

Submissions (2):

Institute of Human Genetics, University of Leipzig Medical Center
Classification: Likely pathogenic for Autoinflammatory disease, familial, Behcet-like-3. Last evaluated: 2024-01-30. Review status: criteria provided, single submitter. Criteria: ACMG Guidelines, 2015. Collection method: clinical testing. Allele origin: de novo. Inheritance: Autosomal dominant inheritance. Affected: yes.
Comment: Criteria applied: PVS1_STR,PS2,PM2_SUP

Labcorp Genetics (formerly Invitae), Labcorp
Classification: Pathogenic. Last evaluated: 2023-10-04. Review status: criteria provided, single submitter. Criteria: Invitae Variant Classification Sherloc (09022015). Collection method: clinical testing. Allele origin: germline.
Comment: This sequence change creates a premature translational stop signal (p.Gln372*) in the RELA gene. While this is not anticipated to result in nonsense mediated decay, it is expected to disrupt the last 180 amino acid(s) of the RELA protein. This variant is not present in population databases (gnomAD no frequency). This variant has not been reported in the literature in individuals affected with RELA-related conditions. This variant disrupts a region of the RELA protein in which other variant(s) (p.His487Thrfs*7) have been determined to be pathogenic (PMID: 32969189). This suggests that this is a clinically significant region of the protein, and that variants that disrupt it are likely to be disease-causing. For these reasons, this variant has been classified as Pathogenic.

Literature cited by the submitters: PubMed 32969189 (cited by Labcorp Genetics (formerly Invitae), Labcorp).

NM_021975.4(RELA):c.1114C>T (p.Gln372Ter)

Gene: RELA (RELA proto-oncogene, NF-kB subunit; minus strand). Cytogenetic location: 11q13.1.
Variant type: single nucleotide variant.
Coding change: c.1114C>T on transcript NM_021975.4 (MANE Select); coding-DNA position 1114, C replaced by T.
Protein change: p.Gln372Ter; replaces glutamine 372 with a stop codon.
Molecular consequence: nonsense. On other transcripts: intron variant (1).
Genome position (GRCh38, 1-based): chr11:65,654,920, G>A on the plus strand (C>T on the coding strand, the complement: RELA is on the minus strand). VCF-style: chr11-65654920-G-A. GRCh37 (hg19) VCF-style: chr11-65422391-G-A.
Other names: c.733C>T, p.Gln245Ter (NM_001404661.1); c.1021C>T, p.Gln341Ter (NM_001404662.1, NM_001404663.1); c.1034-127C>T (NM_001243984.2); c.1105C>T, p.Gln369Ter (NM_001145138.2); c.1114C>T, p.Gln372Ter (NM_001243985.2); c.1147C>T, p.Gln383Ter (NM_001404657.1); c.1087C>T, p.Gln363Ter (NM_001404658.1); c.901C>T, p.Gln301Ter (NM_001404659.1); and 1 more; short protein forms Q245*, Q266*, Q301*, Q341*, Q363*, Q369*, Q372*, Q383*.
Identifiers: ClinVar variation 2692375 (VCV002692375.5), dbSNP rs2496827835, ClinGen allele CA381388113.